The following is an entry in ClinVar:

ClinVar aggregate classification (germline): Pathogenic/Likely pathogenic. Review status: criteria provided, multiple submitters, no conflicts (2 of 4 stars). 3 submissions from 3 submitters: Pathogenic (2); Likely pathogenic (1). Last evaluated 2024-04-25.

Conditions:
Familial adenomatous polyposis 1 (FAP1). Also called: FAMILIAL ADENOMATOUS POLYPOSIS 1, ATTENUATED; POLYPOSIS, ADENOMATOUS INTESTINAL. Identifiers: MedGen C2713442, MONDO:0021056, OMIM 175100. Disease mechanism: loss of function.

Submissions (3):

Labcorp Genetics (formerly Invitae), Labcorp
Classification: Pathogenic for Familial adenomatous polyposis 1. Last evaluated: 2024-04-25. Review status: criteria provided, single submitter. Criteria: Invitae Variant Classification Sherloc (09022015). Collection method: clinical testing. Allele origin: germline.
Comment: This sequence change creates a premature translational stop signal (p.Tyr1075Phefs*51) in the APC gene. While this is not anticipated to result in nonsense mediated decay, it is expected to disrupt the last 1769 amino acid(s) of the APC protein. This variant is not present in population databases (gnomAD no frequency). This premature translational stop signal has been observed in individual(s) with familial adenomatous polyposis (PMID: 20223039). ClinVar contains an entry for this variant (Variation ID: 856077). This variant is expected to disrupt the EB1 and HDLG binding sites, which mediate interactions with the cytoskeleton (PMID: 15311282, 17293347). While functional studies have not been performed to directly test the effect on APC protein function, this suggests that disruption of the C-terminal portion of the protein is functionally important. A different truncation (p.Tyr2645Lysfs*14) that lies downstream of this variant has been determined to be pathogenic (PMID: 9824584, 1316610, 27081525, 8381579, 22135120, Invitae). This suggests that deletion of this region of the APC protein is causative of disease. For these reasons, this variant has been classified as Pathogenic.

Baylor Genetics
Classification: Likely pathogenic for Familial adenomatous polyposis 1. Last evaluated: 2023-08-20. Review status: criteria provided, single submitter. Criteria: ACMG Guidelines, 2015. Collection method: clinical testing. Allele origin: unknown.

Myriad Genetics, Inc.
Classification: Pathogenic for Familial adenomatous polyposis 1. Last evaluated: 2023-05-08. Review status: criteria provided, single submitter. Criteria: Myriad Autosomal Dominant, Autosomal Recessive and X-Linked Classification Criteria (2023). Collection method: clinical testing. Allele origin: unknown.
Comment: This variant is considered pathogenic. This variant creates a frameshift predicted to result in premature protein truncation.

Literature cited by the submitters: PubMed 20223039 (cited by Labcorp Genetics (formerly Invitae), Labcorp); PubMed 15311282 (cited by Labcorp Genetics (formerly Invitae), Labcorp); PubMed 17293347 (cited by Labcorp Genetics (formerly Invitae), Labcorp); PubMed 9824584 (cited by Labcorp Genetics (formerly Invitae), Labcorp); PubMed 1316610 (cited by Labcorp Genetics (formerly Invitae), Labcorp); PubMed 27081525 (cited by Labcorp Genetics (formerly Invitae), Labcorp); PubMed 8381579 (cited by Labcorp Genetics (formerly Invitae), Labcorp); PubMed 22135120 (cited by Labcorp Genetics (formerly Invitae), Labcorp).

NM_000038.6(APC):c.3224del (p.Tyr1075fs)

Gene: APC (APC regulator of Wnt signaling pathway; plus strand). Cytogenetic location: 5q22.2.
Variant type: Deletion.
Coding change: c.3224del on transcript NM_000038.6 (MANE Select); coding-DNA position 3224, one base deleted (A; older notation c.3224delA).
Protein change: p.Tyr1075fs; shifts the reading frame from tyrosine 1075.
Molecular consequence: frameshift variant.
Genome position (GRCh38, 1-based): chr5:112,838,818, A deleted. VCF-style (leftmost placement, unchanged base first): chr5-112838817-TA-T. GRCh37 (hg19) VCF-style: chr5-112174514-TA-T.
Other names: c.3224del, p.Tyr1075fs (NM_001127510.3, NM_001354895.2); c.3170del, p.Tyr1057fs (NM_001127511.3); c.3278del, p.Tyr1093fs (NM_001354896.2); c.3254del, p.Tyr1085fs (NM_001354897.2); c.3149del, p.Tyr1050fs (NM_001354898.2); c.3140del, p.Tyr1047fs (NM_001354899.2); c.3101del, p.Tyr1034fs (NM_001354900.2); c.3047del, p.Tyr1016fs (NM_001354901.2); and 5 more; short protein forms Y1034fs, Y1085fs, Y1093fs, Y792fs, Y1047fs, Y1050fs, Y1057fs, Y915fs.
Identifiers: ClinVar variation 856077 (VCV000856077.13), dbSNP rs1765368708, ClinGen allele CA916080344.